The following is an entry in ClinVar:

ClinVar aggregate classification (germline): Uncertain significance (1 of 4 stars; one submission).

Conditions:
Hereditary pancreatitis (PCTT). Also called: Hereditary chronic pancreatitis; PRSS1-Related Hereditary Pancreatitis. Identifiers: Orphanet 676, MedGen C0238339, MONDO:0008185, OMIM 167800.

Submission:

Ambry Genetics
Classification: Uncertain significance for Hereditary pancreatitis. Last evaluated: 2023-03-20. Review status: criteria provided, single submitter. Criteria: Ambry Variant Classification Scheme 2023. Collection method: clinical testing. Allele origin: germline.
Comment: The p.E126K variant (also known as c.376G>A), located in coding exon 3 of the CPA1 gene, results from a G to A substitution at nucleotide position 376. The glutamic acid at codon 126 is replaced by lysine, an amino acid with similar properties. This amino acid position is conserved. In addition, this alteration is predicted to be tolerated by in silico analysis. Since supporting evidence is limited at this time, the clinical significance of this alteration remains unclear.

NM_001868.4(CPA1):c.376G>A (p.Glu126Lys)

Gene: CPA1 (carboxypeptidase A1; plus strand). Cytogenetic location: 7q32.2.
Variant type: single nucleotide variant.
Coding change: c.376G>A on transcript NM_001868.4 (MANE Select); coding-DNA position 376, G replaced by A.
Protein change: p.Glu126Lys; replaces glutamic acid 126 with lysine.
Molecular consequence: missense variant.
Genome position (GRCh38, 1-based): chr7:130,381,858, G>A. VCF-style: chr7-130381858-G-A. GRCh37 (hg19) VCF-style: chr7-130021699-G-A.
Other names: short protein forms E126K.
Identifiers: ClinVar variation 2563224 (VCV002563224.2), dbSNP rs782710719, ClinGen allele CA369280564.
Genomic context (GRCh38, chr7:130,381,858, plus strand): 5'-GCCTTCCGGTCCCGGGCGCGCTCCACCGACACTTTTAACTACGCCACCTACCACACCCTG[G>A]AGGAGGTGAGGGCGCCCCTAGCGGCCGCTCCCTGCAGCCACCAGCTCTTCATCATGGCTG-3'
Protein context (NP_001859.1, residues 116-136): TFNYATYHTL[Glu126Lys]EIYDFLDLLV